The following is an entry in ClinVar:

ClinVar aggregate classification (germline): Conflicting classifications of pathogenicity. Review status: criteria provided, conflicting classifications (1 of 4 stars). 2 submissions from 2 submitters: Uncertain significance (1); Likely benign (1). Last evaluated 2025-03-07.

Conditions:
Hereditary cancer-predisposing syndrome. Also called: Neoplastic Syndromes, Hereditary; Hereditary Cancer Syndrome; Hereditary neoplastic syndrome; Tumor predisposition. Identifiers: Orphanet 140162, MedGen C0027672, MeSH D009386, MONDO:0015356.
Hereditary breast ovarian cancer syndrome. Also called: Hereditary breast and ovarian cancer syndrome (HBOC); Hereditary breast and/or ovarian cancer syndrome; Hereditary breast and ovarian cancer syndrome; Breast and ovarian cancer; Hereditary breast and ovarian cancer; BRCA1- and BRCA2-Associated Hereditary Breast and Ovarian Cancer. Identifiers: Orphanet 145, MedGen C0677776, MeSH D061325, MONDO:0003582. Disease mechanism: loss of function.

Submissions (2):

Ambry Genetics
Classification: Likely benign for Hereditary cancer-predisposing syndrome. Last evaluated: 2025-03-07. Review status: criteria provided, single submitter. Criteria: Ambry Variant Classification Scheme 2023. Collection method: clinical testing. Allele origin: germline.

Labcorp Genetics (formerly Invitae), Labcorp
Classification: Uncertain significance for Hereditary breast ovarian cancer syndrome. Last evaluated: 2023-08-30. Review status: criteria provided, single submitter. Criteria: Invitae Variant Classification Sherloc (09022015). Collection method: clinical testing. Allele origin: germline.
Comment: This variant is not present in population databases (gnomAD no frequency). In summary, the available evidence is currently insufficient to determine the role of this variant in disease. Therefore, it has been classified as a Variant of Uncertain Significance. Advanced modeling of protein sequence and biophysical properties (such as structural, functional, and spatial information, amino acid conservation, physicochemical variation, residue mobility, and thermodynamic stability) performed at Invitae indicates that this missense variant is not expected to disrupt BRCA1 protein function. This variant has not been reported in the literature in individuals affected with BRCA1-related conditions. This sequence change replaces alanine, which is neutral and non-polar, with threonine, which is neutral and polar, at codon 254 of the BRCA1 protein (p.Ala254Thr).

NM_007294.4(BRCA1):c.760G>A (p.Ala254Thr)

Gene: BRCA1 (BRCA1 DNA repair associated; minus strand). Cytogenetic location: 17q21.31.
Variant type: single nucleotide variant.
Coding change: c.760G>A on transcript NM_007294.4 (MANE Select); coding-DNA position 760, G replaced by A.
Protein change: p.Ala254Thr; replaces alanine 254 with threonine.
Molecular consequence: missense variant. On other transcripts: 5 prime UTR variant (2), intron variant (13).
Genome position (GRCh38, 1-based): chr17:43,094,771, C>T on the plus strand (G>A on the coding strand, the complement: BRCA1 is on the minus strand). VCF-style: chr17-43094771-C-T. GRCh37 (hg19) VCF-style: chr17-41246788-C-T.
Other names: c.496G>A, p.Ala166Thr (NM_001407927.1, NM_001407928.1, NM_001407929.1 and 15 more transcripts); c.493G>A, p.Ala165Thr (NM_001407930.1, NM_001407932.1, NM_001407934.1 and 5 more transcripts); c.634G>A, p.Ala212Thr (NM_001407672.1, NM_001407673.1, NM_001407685.1 and 20 more transcripts); c.637G>A, p.Ala213Thr (NM_001407674.1, NM_001407675.1, NM_001407676.1 and 34 more transcripts); c.760G>A, p.Ala254Thr (NM_001407684.1, NM_001407854.1, NM_001407858.1 and 54 more transcripts); c.619G>A, p.Ala207Thr (NM_001407692.1, NM_001407694.1, NM_001407695.1 and 43 more transcripts); c.616G>A, p.Ala206Thr (NM_001407740.1, NM_001407741.1, NM_001407742.1 and 26 more transcripts); c.547G>A, p.Ala183Thr (NM_001407853.1, NM_001407894.1, NM_001407895.1 and 12 more transcripts); and 20 more; short protein forms A184T, A186T, A207T, A212T, A251T, A254T, A127T, A143T.
Identifiers: ClinVar variation 2756473 (VCV002756473.4), dbSNP rs2154493819, ClinGen allele CA10600565.